The following is an entry in ClinVar:

ClinVar aggregate classification (germline): Uncertain significance (1 of 4 stars; one submission).

Conditions:
Cardiovascular phenotype. Identifiers: MedGen CN230736.

Submission:

Ambry Genetics
Classification: Uncertain significance for Cardiovascular phenotype. Last evaluated: 2023-03-03. Review status: criteria provided, single submitter. Criteria: Ambry Variant Classification Scheme 2023. Collection method: clinical testing. Allele origin: germline.
Comment: The p.C575W variant (also known as c.1725T>G), located in coding exon 15 of the PRDM5 gene, results from a T to G substitution at nucleotide position 1725. The cysteine at codon 575 is replaced by tryptophan, an amino acid with highly dissimilar properties. This amino acid position is conserved. In addition, this alteration is predicted to be deleterious by in silico analysis. Since supporting evidence is limited at this time, the clinical significance of this alteration remains unclear.

NM_018699.4(PRDM5):c.1725T>G (p.Cys575Trp)

Gene: PRDM5 (PR/SET domain 5; minus strand). Cytogenetic location: 4q27.
Variant type: single nucleotide variant.
Coding change: c.1725T>G on transcript NM_018699.4 (MANE Select); coding-DNA position 1725, T replaced by G.
Protein change: p.Cys575Trp; replaces cysteine 575 with tryptophan.
Molecular consequence: missense variant. On other transcripts: 3 prime UTR variant (1), intron variant (1).
Genome position (GRCh38, 1-based): chr4:120,710,312, A>C on the plus strand (T>G on the coding strand, the complement: PRDM5 is on the minus strand). VCF-style: chr4-120710312-A-C. GRCh37 (hg19) VCF-style: chr4-121631467-A-C.
Other names: c.1632T>G, p.Cys544Trp (NM_001300823.2); c.*40T>G (NM_001300824.2); c.1758T>G, p.Cys586Trp (NM_001379104.1); c.1531-15037T>G (NM_001379106.1); short protein forms C575W, C586W, C544W.
Identifiers: ClinVar variation 2450367 (VCV002450367.2), dbSNP rs2529842392, ClinGen allele CA358206694.